The following is an entry in ClinVar:

NM_004444.5(EPHB4):c.1588+5G>C

Gene: EPHB4 (EPH receptor B4; minus strand). Cytogenetic location: 7q22.1.
Variant type: single nucleotide variant.
Coding change: c.1588+5G>C on transcript NM_004444.5 (MANE Select); 5 bases into the intron after coding-DNA position 1588, G replaced by C.
Molecular consequence: intron variant.
Genome position (GRCh38, 1-based): chr7:100,817,187, C>G on the plus strand (G>C on the coding strand, the complement: EPHB4 is on the minus strand). VCF-style: chr7-100817187-C-G. GRCh37 (hg19) VCF-style: chr7-100414809-C-G.
Identifiers: ClinVar variation 1303151 (VCV001303151.2), dbSNP rs1813095852, ClinGen allele CA2573052770.

ClinVar aggregate classification (germline): Likely pathogenic (1 of 4 stars; one submission).

Submission:

GeneDx
Classification: Likely pathogenic. Last evaluated: 2021-04-26. Review status: criteria provided, single submitter. Criteria: GeneDx Variant Classification Process June 2021. Collection method: clinical testing. Allele origin: germline. Affected: yes.
Comment: Intronic +5 splice site variant in a gene for which loss-of-function is a known mechanism of disease, and splice predictors support a deleterious effect; Not observed in large population cohorts (Lek et al., 2016); Identified in a patient with a capillary malformation and a Parkes-Weber lesion in the published literature (Amyere et al., 2017); This variant is associated with the following publications: (PMID: 30819650, 28687708)